The following is an entry in ClinVar:

ClinVar aggregate classification (germline): Pathogenic. Review status: criteria provided, single submitter (1 of 4 stars). 2 submissions from 2 submitters: Pathogenic (1). 1 of the submissions does not count toward it.

Conditions:
X-linked agammaglobulinemia (XLA). Also called: Agammaglobulinemia, Bruton tyrosine kinase; Agammaglobulinemia, BTK; BTK-deficiency; IMMUNODEFICIENCY 1; Bruton's agammaglobulinemia; AGAMMAGLOBULINEMIA, X-LINKED, TYPE 1. Identifiers: Orphanet 229717, Orphanet 47, MedGen C0221026, MONDO:0010421, OMIM 300755.

Submissions (2):

Seattle Children's Hospital Molecular Genetics Laboratory, Seattle Children's Hospital
Classification: Pathogenic for X-linked agammaglobulinemia. Review status: criteria provided, single submitter. Criteria: ACMG Guidelines, 2015. Collection method: clinical testing. Allele origin: germline. Affected: yes.
Comment: The p.Trp581Arg variant substitutes the tryptophan with an arginine at amino acid position 581 in the kinase domain. This variant has been reported in the medical literature in several unrelated individuals with X-linked agammaglobulinemia (XLA; MIM: 3000755; PMID: 7849697, PMID: 12655572). The tryptophan at amino acid 581 is conserved in the BTK protein and most other serine/threonine kinases. Other missense changes at this amino acid position (p.Trp581Cys, p.Trp581Ser) have also been reported in affected individuals (PMID: 25777788, PMID: 16405441).

OMIM
Classification: Pathogenic for AGAMMAGLOBULINEMIA, X-LINKED. Last evaluated: 1994-10-01. Review status: no assertion criteria provided. Collection method: literature only. Allele origin: germline. Not counted in ClinVar's aggregate classification.

Literature cited by the submitters: PubMed 7849697 (cited by OMIM).

NM_000061.3(BTK):c.1741T>C (p.Trp581Arg)

Gene: BTK (Bruton tyrosine kinase; minus strand). Cytogenetic location: Xq22.1.
Variant type: single nucleotide variant.
Coding change: c.1741T>C on transcript NM_000061.3 (MANE Select); coding-DNA position 1741, T replaced by C.
Protein change: p.Trp581Arg; replaces tryptophan 581 with arginine.
Molecular consequence: missense variant.
Genome position (GRCh38, 1-based): chrX:101,353,879, A>G on the plus strand (T>C on the coding strand, the complement: BTK is on the minus strand). VCF-style: chrX-101353879-A-G. GRCh37 (hg19) VCF-style: chrX-100608867-A-G.
Other names: Y581R; c.1843T>C, p.Trp615Arg (NM_001287344.2); c.1213T>C, p.Trp405Arg (NM_001287345.2); short protein forms W581R, W615R, W405R.
Identifiers: ClinVar variation 11384 (VCV000011384.2), dbSNP rs128621205, ClinGen allele CA255835.